The following is an entry in ClinVar:

NM_001172509.2(SATB2):c.1791A>T (p.Arg597Ser)

Genes: SATB2 (SATB homeobox 2; minus strand), LOC126806462 (MED14-independent group 3 enhancer GRCh37_chr2:200136608-200137807; plus strand). Cytogenetic location: 2q33.1.
Variant type: single nucleotide variant.
Coding change: c.1791A>T on transcript NM_001172509.2 (MANE Select); coding-DNA position 1791, A replaced by T.
Protein change: p.Arg597Ser; replaces arginine 597 with serine.
Molecular consequence: missense variant.
Genome position (GRCh38, 1-based): chr2:199,272,622, T>A on the plus strand (A>T on the coding strand, the complement: SATB2 is on the minus strand). VCF-style: chr2-199272622-T-A. GRCh37 (hg19) VCF-style: chr2-200137345-T-A.
Other names: c.1791A>T, p.Arg597Ser (NM_001172517.1, NM_015265.4); short protein forms R597S.
Identifiers: ClinVar variation 3389747 (VCV003389747.14).

ClinVar aggregate classification (germline): Uncertain significance (1 of 4 stars; one submission).

Submission:

CeGaT Center for Human Genetics Tuebingen
Classification: Uncertain significance. Last evaluated: 2024-09-01. Review status: criteria provided, single submitter. Criteria: CeGaT Center For Human Genetics Tuebingen Variant Classification Criteria Version 2. Collection method: clinical testing. Allele origin: germline. Affected: yes. Observed: 1 variant allele.
Comment: SATB2: PM2, PP2, PS2:Supporting